The following is an entry in ClinVar:

NM_001037132.4(NRCAM):c.2553C>T (p.Asn851=)

Gene: NRCAM (neuronal cell adhesion molecule; minus strand). Cytogenetic location: 7q31.1.
Variant type: single nucleotide variant.
Coding change: c.2553C>T on transcript NM_001037132.4 (MANE Select); coding-DNA position 2553, C replaced by T.
Protein change: p.Asn851=; no amino-acid change (asparagine 851 retained).
Molecular consequence: synonymous variant. On other transcripts: non-coding transcript variant (5).
Genome position (GRCh38, 1-based): chr7:108,181,915, G>A on the plus strand (C>T on the coding strand, the complement: NRCAM is on the minus strand). VCF-style: chr7-108181915-G-A. GRCh37 (hg19) VCF-style: chr7-107822359-G-A.
Other names: c.2553C>T, p.Asn851= (NM_001193582.2, NM_001371123.1, NM_001371128.1 and 10 more transcripts); c.2496C>T, p.Asn832= (NM_001193583.2, NM_001193584.2, NM_001371119.1 and 22 more transcripts); c.2208C>T, p.Asn736= (NM_001371125.1, NM_001371142.1, NM_001371143.1 and 2 more transcripts); c.2550C>T, p.Asn850= (NM_001371127.1); c.2505C>T, p.Asn835= (NM_001371130.1, NM_001371133.1, NM_001371136.1 and 8 more transcripts); c.2502C>T, p.Asn834= (NM_001371134.1); c.1596C>T, p.Asn532= (NM_001371137.1); c.2235C>T, p.Asn745= (NM_001371148.1, NM_001371170.1, NM_001371179.1 and 1 more transcripts); and 3 more.
Identifiers: ClinVar variation 4981601 (VCV004981601.1).

ClinVar aggregate classification (germline): Likely benign (1 of 4 stars; one submission).

Conditions:
NRCAM-related disorder.

gnomAD v4.1: 292 of 1,613,944 alleles (0.018%); highest among the groups gnomAD compares: South Asian, 0.25%; 2 homozygotes.

Submission:

PreventionGenetics, part of Exact Sciences
Classification: Likely benign for NRCAM-related condition. Last evaluated: 2025-09-30. Review status: criteria provided, single submitter. Criteria: ACMG Guidelines, 2015. Collection method: clinical testing. Allele origin: germline.
Comment: This variant is classified as likely benign based on ACMG/AMP sequence variant interpretation guidelines (Richards et al. 2015 PMID: 25741868, with internal and published modifications).